The following is an entry in ClinVar:

NM_016519.6(AMBN):c.45dup (p.Leu16fs)

Gene: AMBN (ameloblastin; plus strand). Cytogenetic location: 4q13.3.
Variant type: Duplication.
Coding change: c.45dup on transcript NM_016519.6 (MANE Select); coding-DNA position 45, one base duplicated (A; older notation c.45dupA).
Protein change: p.Leu16fs; shifts the reading frame from leucine 16.
Molecular consequence: frameshift variant.
Genome position (GRCh38, 1-based): chr4:70,593,356, A duplicated. VCF-style (leftmost placement, unchanged base first): chr4-70593355-T-TA. GRCh37 (hg19) VCF-style: chr4-71459072-T-TA.
Other names: short protein forms L16fs.
Identifiers: ClinVar variation 4883852 (VCV004883852.2).

ClinVar aggregate classification (germline): Uncertain significance (1 of 4 stars; one submission).

Conditions:
Amelogenesis imperfecta type 1F (AI1F). Also called: AMELOGENESIS IMPERFECTA, HYPOPLASTIC TYPE IF; Amelogenesis imperfecta, type IF. Identifiers: Orphanet 88661, MedGen C4225394, MONDO:0014560, OMIM 616270.

Submission:

Dasa
Classification: Uncertain significance for Amelogenesis imperfecta type 1F. Last evaluated: 2024-10-30. Review status: criteria provided, single submitter. Criteria: DASA Assertion Criteria. Collection method: clinical testing. Allele origin: germline.
Comment: NM_016519.6(AMBN):c.45dup (p.Leu16Thrfs*26) is a frameshift variant in AMBN predicted to alter the reading frame and introduce a premature termination codon. This variant is absent from population databases. The currently available literature and clinical evidence are not sufficient to establish a definitive association between this variant and the reported condition. Therefore, this variant is classified as a variant of uncertain significance.